The following is an entry in ClinVar:

ClinVar aggregate classification (germline): Likely benign. Review status: reviewed by expert panel (3 of 4 stars). 7 submissions from 7 submitters: Likely benign (1). 6 of the submissions do not count toward it. Last evaluated 2024-11-01.

Conditions:
Primary pulmonary hypertension. Also called: Idiopathic pulmonary hypertension. Identifiers: MedGen C0152171.
Pulmonary venoocclusive disease 1 (PVOD1). Also called: Pulmonary venoocclusive disease 1, autosomal dominant. Identifiers: Orphanet 31837, MedGen C3887658, MONDO:0020713, OMIM 265450.
Pulmonary hypertension, primary, 1 (PPH1). Also called: Pulmonary hypertension, familial primary, 1, with or without HHT. Identifiers: Orphanet 422, MedGen C4552070, MONDO:0024533, OMIM 178600.
Pulmonary arterial hypertension. Identifiers: Orphanet 182090, MedGen C2973725, MeSH D000081029, MONDO:0015924, HP:0002092.

Allele frequency attached by ClinVar (database versions not stated): gnomAD 0.00001 and 0.00003; TOPMed 0.00001; ExAC 0.00011; 1000 Genomes Project 30x 0.00047; 1000 Genomes Project 0.00060.
gnomAD v4.1: 122 of 1,565,690 alleles (0.0078%); highest among the groups gnomAD compares: East Asian, 0.27%; no homozygotes.

Submissions (7):

Clingen Pulmonary Hypertension Variant Curation Expert Panel, ClinGen
Classification: Likely benign for Pulmonary arterial hypertension. Last evaluated: 2024-11-01. Review status: reviewed by expert panel. Criteria: ClinGen PH ACMG Specifications BMPR2 V1.1.0. Collection method: curation. Allele origin: germline. Inheritance: Autosomal dominant inheritance.
Comment: The BMPR2 c.276A>C variant is a missense variant predicted to cause substitution of glutamine to histidine at amino acid position 92 (p.(Gln92His)). The highest population minor allele frequency in gnomAD v2.1.1 (controls) is 0.001589 in the East Asian population (Korean) (BS1 met but not PM2 or BA1). Computational predictor REVEL score is 0.57, which is in between the PH-VCEP specified threshold of ≤0.25 and ≥0.75, so neither PP3 nor BP4 are met. This variant is located in the extracellular domain, critical for ligand binding (PM1 met), but does not affect a known critical or non-critical amino acid (no up- or downward adjustment for PM1). BS2 was not met due to absence of homozygous individuals (gnomAD v.2.1.1 controls). PS4 was not applied as PM2 was not met. PP1, PS2, PM6 were not met due to the absence of co-segregation data. PS3 and BS3 were not met due to the lack of experimental evidence. Although other variants in the same amino acid been reported, for pulmonary arterial hypertension, the variants were not deemed pathogenic or likely pathogenic by the PH-VCEP (PS1, PM5 not met). In summary, this variant meets the criteria to be classified as likely benign for pulmonary arterial hypertension based on the ACMG/AMP criteria applied, as specified by the ClinGen Pulmonary Hypertension VCEP: BS1, PM1 (VCEP specification version 1.1.0, 1/18/2024).

Labcorp Genetics (formerly Invitae), Labcorp
Classification: Benign for Primary pulmonary hypertension. Last evaluated: 2025-04-17. Review status: criteria provided, single submitter. Criteria: Invitae Variant Classification Sherloc (09022015). Collection method: clinical testing. Allele origin: germline. Not counted in ClinVar's aggregate classification.

Mayo Clinic Laboratories, Mayo Clinic
Classification: Uncertain significance. Last evaluated: 2024-03-11. Review status: criteria provided, single submitter. Criteria: ACMG Guidelines, 2015. Collection method: clinical testing. Allele origin: germline. Observed: 1 variant allele. Not counted in ClinVar's aggregate classification.
Comment: BP5

Fulgent Genetics
Classification: Uncertain significance for Pulmonary hypertension, primary, 1; Pulmonary venoocclusive disease 1. Last evaluated: 2021-11-15. Review status: criteria provided, single submitter. Criteria: ACMG Guidelines, 2015. Collection method: clinical testing. Allele origin: unknown. Not counted in ClinVar's aggregate classification.

GeneDx
Classification: Uncertain significance. Last evaluated: 2020-06-19. Review status: criteria provided, single submitter. Criteria: GeneDx Variant Classification Process June 2021. Collection method: clinical testing. Allele origin: germline. Affected: yes. Not counted in ClinVar's aggregate classification.
Comment: Present in two Japanese patients reported to have pulmonary arterial hypertension and in a patient with anomalous unilateral single pulmonary vein (Kabata et al., 2013; Koyama et al., 2014; Kobayashi et al., 2018); In silico analysis supports that this missense variant does not alter protein structure/function; This variant is associated with the following publications: (PMID: 29718794, 24583436, 23675998, 27002414)

Soonchunhyang University Bucheon Hospital, Soonchunhyang University Medical Center
Classification: Uncertain significance for Pulmonary hypertension, primary, 1. Last evaluated: 2016-03-18. Review status: criteria provided, single submitter. Criteria: ACMG Guidelines, 2015. Collection method: reference population. Allele origin: germline. Observed: 1 variant allele. Not counted in ClinVar's aggregate classification.

Rare Disease Genomics Group, St George's University of London
Classification: Uncertain significance for Primary pulmonary hypertension. Review status: no assertion criteria provided. Collection method: literature only. Allele origin: germline. Affected: yes. Not counted in ClinVar's aggregate classification.

Literature cited by the submitters: PubMed 23675998 (cited by 3 submitters); PubMed 24583436 (cited by Mayo Clinic Laboratories, Mayo Clinic); PubMed 24936649 (cited by Mayo Clinic Laboratories, Mayo Clinic); PubMed 27002414 (cited by Mayo Clinic Laboratories, Mayo Clinic); PubMed 29718794 (cited by Mayo Clinic Laboratories, Mayo Clinic); PubMed 30084161 (cited by Mayo Clinic Laboratories, Mayo Clinic); PubMed 34589526 (cited by Mayo Clinic Laboratories, Mayo Clinic); PubMed 26387786 (cited by Rare Disease Genomics Group, St George's University of London).

NM_001204.7(BMPR2):c.276A>C (p.Gln92His)

Gene: BMPR2 (bone morphogenetic protein receptor type 2; plus strand). Cytogenetic location: 2q33.1.
Variant type: single nucleotide variant.
Coding change: c.276A>C on transcript NM_001204.7 (MANE Select); coding-DNA position 276, A replaced by C.
Protein change: p.Gln92His; replaces glutamine 92 with histidine.
Molecular consequence: missense variant.
Genome position (GRCh38, 1-based): chr2:202,467,547, A>C. VCF-style: chr2-202467547-A-C. GRCh37 (hg19) VCF-style: chr2-203332270-A-C.
Other names: NM_001204.7(BMPR2):c.276A>C; p.Gln92His; c.276A>C, p.Q92H (LRG_712t1); short protein forms Q92H.
Identifiers: ClinVar variation 225305 (VCV000225305.10), dbSNP rs140683387, ClinGen allele CA2061080.